The following is an entry in ClinVar:

ClinVar aggregate classification (germline): Conflicting classifications of pathogenicity. Review status: criteria provided, conflicting classifications (1 of 4 stars). 2 submissions from 2 submitters: Uncertain significance (1); Likely benign (1). Last evaluated 2026-03-20.

Conditions:
Niemann-Pick disease, type B. Also called: Chronic Visceral ASMD (Niemann-Pick Disease Type B; NPD-B). Identifiers: Orphanet 77293, MedGen C0268243, MONDO:0011871, OMIM 607616. Disease mechanism: loss of function.
Niemann-Pick disease, type A. Also called: Infantile Neurovisceral ASMD (Niemann-Pick Disease Type A; NPD-A); SPHINGOMYELIN LIPIDOSIS; SPHINGOMYELINASE DEFICIENCY. Identifiers: Orphanet 77292, MedGen C0268242, MONDO:0009756, OMIM 257200. Disease mechanism: loss of function.

Allele frequency attached by ClinVar (database versions not stated): gnomAD 0.00001; gnomAD exomes 0.00001 and 0.00003; ExAC 0.00002; TOPMed 0.00002.
gnomAD v4.1: 19 of 1,614,054 alleles (0.0012%); highest among the groups gnomAD compares: South Asian, 0.0022%; no homozygotes.

Submissions (2):

GeneDx
Classification: Uncertain significance. Last evaluated: 2026-03-20. Review status: criteria provided, single submitter. Criteria: GeneDx Variant Classification Process June 2021. Collection method: clinical testing. Allele origin: germline.
Comment: Not observed at significant frequency in large population cohorts (gnomAD); In silico analysis suggests that this variant does not alter splicing; Has not been previously published as pathogenic or benign to our knowledge

Labcorp Genetics (formerly Invitae), Labcorp
Classification: Likely benign for Niemann-Pick disease, type B; Niemann-Pick disease, type A. Last evaluated: 2026-01-14. Review status: criteria provided, single submitter. Criteria: Invitae Variant Classification Sherloc (09022015). Collection method: clinical testing. Allele origin: germline.

NM_000543.5(SMPD1):c.984C>T (p.Ser328=)

Gene: SMPD1 (sphingomyelin phosphodiesterase 1; plus strand). Cytogenetic location: 11p15.4.
Variant type: single nucleotide variant.
Coding change: c.984C>T on transcript NM_000543.5 (MANE Select); coding-DNA position 984, C replaced by T.
Protein change: p.Ser328=; no amino-acid change (serine 328 retained).
Molecular consequence: synonymous variant. On other transcripts: missense variant (1), non-coding transcript variant (1).
Genome position (GRCh38, 1-based): chr11:6,392,049, C>T. VCF-style: chr11-6392049-C-T. GRCh37 (hg19) VCF-style: chr11-6413279-C-T.
Other names: c.984C>T (NM_000543.4); c.981C>T, p.Ser327= (NM_001007593.3); c.984C>T, p.Ser328= (NM_001318087.2, NM_001365135.2); c.23C>T, p.Ala8Val (NM_001318088.2); short protein forms A8V.
Identifiers: ClinVar variation 1123012 (VCV001123012.10), dbSNP rs781339776, ClinGen allele CA5852720.